The following is an entry in ClinVar:

NM_014727.3(KMT2B):c.3528+3A>G

Gene: KMT2B (lysine methyltransferase 2B; plus strand). Cytogenetic location: 19q13.12.
Variant type: single nucleotide variant.
Coding change: c.3528+3A>G on transcript NM_014727.3 (MANE Select); 3 bases into the intron after coding-DNA position 3528, A replaced by G.
Molecular consequence: intron variant.
Genome position (GRCh38, 1-based): chr19:35,725,090, A>G. VCF-style: chr19-35725090-A-G. GRCh37 (hg19) VCF-style: chr19-36215991-A-G.
Identifiers: ClinVar variation 2992537 (VCV002992537.3), dbSNP rs1969382127, ClinGen allele CA2333790529.

ClinVar aggregate classification (germline): Uncertain significance (1 of 4 stars; one submission).

Allele frequency attached by ClinVar (database versions not stated): TOPMed 0.00001.
gnomAD v4.1: 1 of 1,610,120 alleles (0.000062%); highest among the groups gnomAD compares: Non-Finnish European, 0.000085%; no homozygotes.

Submission:

Labcorp Genetics (formerly Invitae), Labcorp
Classification: Uncertain significance. Last evaluated: 2023-10-07. Review status: criteria provided, single submitter. Criteria: Invitae Variant Classification Sherloc (09022015). Collection method: clinical testing. Allele origin: germline.
Comment: This sequence change falls in intron 10 of the KMT2B gene. It does not directly change the encoded amino acid sequence of the KMT2B protein. It affects a nucleotide within the consensus splice site. This variant is not present in population databases (gnomAD no frequency). This variant has not been reported in the literature in individuals affected with KMT2B-related conditions. Variants that disrupt the consensus splice site are a relatively common cause of aberrant splicing (PMID: 17576681, 9536098). Algorithms developed to predict the effect of sequence changes on RNA splicing suggest that this variant may disrupt the consensus splice site. In summary, the available evidence is currently insufficient to determine the role of this variant in disease. Therefore, it has been classified as a Variant of Uncertain Significance.

Literature cited by the submitters: PubMed 17576681; PubMed 9536098.